The following is an entry in ClinVar:

NM_000430.4(PAFAH1B1):c.192+1G>A

Gene: PAFAH1B1 (platelet activating factor acetylhydrolase 1b regulatory subunit 1; plus strand). Cytogenetic location: 17p13.3.
Variant type: single nucleotide variant.
Coding change: c.192+1G>A on transcript NM_000430.4 (MANE Select); the canonical splice donor site of the intron after coding-DNA position 192, G replaced by A.
Molecular consequence: splice donor variant.
Genome position (GRCh38, 1-based): chr17:2,666,091, G>A. VCF-style: chr17-2666091-G-A. GRCh37 (hg19) VCF-style: chr17-2569385-G-A.
Identifiers: ClinVar variation 159509 (VCV000159509.9), dbSNP rs587784256, ClinGen allele CA272391.

ClinVar aggregate classification (germline): Pathogenic/Likely pathogenic. Review status: criteria provided, multiple submitters, no conflicts (2 of 4 stars). 3 submissions from 3 submitters: Pathogenic (2); Likely pathogenic (1). Last evaluated 2025-08-16.

Conditions:
Lissencephaly due to LIS1 mutation (LIS1). Also called: PAFAH1B1-Associated Lissencephaly/Subcortical Band Heterotopia; PAFAH1B1-Related Lissencephaly/Subcortical Band Heterotopia; Isolated Lissencephaly Sequence. Identifiers: Orphanet 95232, MedGen C4749301, MONDO:0011830, OMIM 607432.

Submissions (3):

GeneDx
Classification: Pathogenic. Last evaluated: 2025-08-16. Review status: criteria provided, single submitter. Criteria: GeneDx Variant Classification Process June 2021. Collection method: clinical testing. Allele origin: germline. Affected: yes.
Comment: Canonical splice site variant predicted to result in an in-frame loss of the adjacent exon in a gene for which loss of function is a known mechanism of disease; Not observed at significant frequency in large population cohorts (gnomAD); Deletions involving coding exons of this gene are a known mechanism of disease HGMD; Has not been previously published as pathogenic or benign to our knowledge; This variant is associated with the following publications: (PMID: 36100855)

Genetic Services Laboratory, University of Chicago
Classification: Pathogenic for Lissencephaly 1. Last evaluated: 2013-02-08. Review status: criteria provided, single submitter. Criteria: ACMG Guidelines, 2007. Collection method: clinical testing. Allele origin: germline. Inheritance: Autosomal dominant inheritance. Affected: yes.

Juno Genomics, Hangzhou Juno Genomics, Inc
Classification: Likely pathogenic for Lissencephaly due to LIS1 mutation. Review status: criteria provided, single submitter. Criteria: ACMG Guidelines, 2015. Collection method: clinical testing. Allele origin: germline. Affected: yes.
Comment: Absent from controls (or at extremely low frequency if recessive) in Genome Aggregation Database, Exome Sequencing Project, 1000 Genomes Project, or Exome Aggregation Consortium.;De novo (both maternity and paternity confirmed) in a patient with the disease and no family history.;Null variant in a gene where loss of function (LOF) is a known mechanism of disease.